The following is an entry in ClinVar:

NM_181672.3(OGT):c.361G>A (p.Asp121Asn)

Gene: OGT (O-linked N-acetylglucosamine (GlcNAc) transferase; plus strand). Cytogenetic location: Xq13.1.
Variant type: single nucleotide variant.
Coding change: c.361G>A on transcript NM_181672.3 (MANE Select); coding-DNA position 361, G replaced by A.
Protein change: p.Asp121Asn; replaces aspartic acid 121 with asparagine.
Molecular consequence: missense variant.
Genome position (GRCh38, 1-based): chrX:71,537,971, G>A. VCF-style: chrX-71537971-G-A. GRCh37 (hg19) VCF-style: chrX-70757821-G-A.
Other names: c.331G>A, p.Asp111Asn (NM_181673.3); short protein forms D111N, D121N.
Identifiers: ClinVar variation 3600539 (VCV003600539.1).

ClinVar aggregate classification (germline): Uncertain significance (1 of 4 stars; one submission).

Submission:

GeneDx
Classification: Uncertain significance. Last evaluated: 2024-07-23. Review status: criteria provided, single submitter. Criteria: GeneDx Variant Classification Process June 2021. Collection method: clinical testing. Allele origin: germline. Affected: yes.
Comment: Not observed at significant frequency in large population cohorts (gnomAD); In silico analysis supports that this missense variant has a deleterious effect on protein structure/function; Has not been previously published as pathogenic or benign to our knowledge